The following is an entry in ClinVar:

ClinVar aggregate classification (germline): Uncertain significance. Review status: criteria provided, multiple submitters, no conflicts (2 of 4 stars). 3 submissions from 3 submitters: Uncertain significance (3). Last evaluated 2025-02-08.

Conditions:
Inborn genetic diseases. Identifiers: MedGen C0950123, MeSH D030342.
Fanconi anemia (FA). Also called: Fanconi's anemia. Identifiers: Orphanet 84, MedGen C0015625, MeSH D005199, MONDO:0019391.

Submissions (3):

Ambry Genetics
Classification: Uncertain significance for Inborn genetic diseases. Last evaluated: 2025-02-08. Review status: criteria provided, single submitter. Criteria: Ambry Variant Classification Scheme 2023. Collection method: clinical testing. Allele origin: germline.
Comment: The p.V801E variant (also known as c.2402T>A), located in coding exon 26 of the FANCA gene, results from a T to A substitution at nucleotide position 2402. The valine at codon 801 is replaced by glutamic acid, an amino acid with dissimilar properties. This amino acid position is conserved. In addition, the in silico prediction for this alteration is inconclusive. Based on the available evidence, the clinical significance of this variant remains unclear.

Blueprint Genetics
Classification: Uncertain significance. Last evaluated: 2024-03-22. Review status: criteria provided, single submitter. Criteria: ACMG Guidelines, 2015. Collection method: clinical testing. Allele origin: germline.

Labcorp Genetics (formerly Invitae), Labcorp
Classification: Uncertain significance for Fanconi anemia. Last evaluated: 2019-04-28. Review status: criteria provided, single submitter. Criteria: Invitae Variant Classification Sherloc (09022015). Collection method: clinical testing. Allele origin: germline.
Comment: This sequence change replaces valine with glutamic acid at codon 801 of the FANCA protein (p.Val801Glu). The valine residue is moderately conserved and there is a moderate physicochemical difference between valine and glutamic acid. This variant is not present in population databases (ExAC no frequency). This variant has not been reported in the literature in individuals with FANCA-related conditions. Algorithms developed to predict the effect of missense changes on protein structure and function are either unavailable or do not agree on the potential impact of this missense change (SIFT: "Deleterious"; PolyPhen-2: "Benign"; Align-GVGD: "Class C0"). In summary, the available evidence is currently insufficient to determine the role of this variant in disease. Therefore, it has been classified as a Variant of Uncertain Significance.

NM_000135.4(FANCA):c.2402T>A (p.Val801Glu)

Gene: FANCA (FA complementation group A; minus strand). Cytogenetic location: 16q24.3.
Variant type: single nucleotide variant.
Coding change: c.2402T>A on transcript NM_000135.4 (MANE Select); coding-DNA position 2402, T replaced by A.
Protein change: p.Val801Glu; replaces valine 801 with glutamic acid.
Molecular consequence: missense variant.
Genome position (GRCh38, 1-based): chr16:89,769,939, A>T on the plus strand (T>A on the coding strand, the complement: FANCA is on the minus strand). VCF-style: chr16-89769939-A-T. GRCh37 (hg19) VCF-style: chr16-89836347-A-T.
Other names: c.2402T>A, p.Val801Glu (NM_001286167.3); short protein forms V801E.
Identifiers: ClinVar variation 836880 (VCV000836880.11), dbSNP rs772721300, ClinGen allele CA397443826.